The following is an entry in ClinVar:

ClinVar aggregate classification (germline): Uncertain significance (1 of 4 stars; one submission).

Conditions:
Hereditary factor XI deficiency disease. Also called: PLASMA THROMBOPLASTIN ANTECEDENT DEFICIENCY; PTA DEFICIENCY; ROSENTHAL SYNDROME; Congenital factor XI deficiency. Identifiers: Orphanet 329, MedGen C0015523, MeSH D005173, MONDO:0012897, OMIM 612416.

Submission:

Myriad Genetics, Inc.
Classification: Uncertain significance for Hereditary factor XI deficiency disease. Last evaluated: 2025-11-10. Review status: criteria provided, single submitter. Criteria: Myriad Autosomal Dominant, Autosomal Recessive and X-Linked Classification Criteria (2023). Collection method: clinical testing. Allele origin: unknown.
Comment: NM_000128.3(F11):c.926_928delTTG(V309del) is an in-frame deletion classified as a variant of uncertain significance in the context of factor XI deficiency. V309del has not been observed in cases with relevant disease. Relevant functional assessments of this variant are not available in the literature. V309del has not been observed in referenced population frequency databases. In summary, there is insufficient evidence to classify NM_000128.3(F11):c.926_928delTTG(V309del) as pathogenic or benign. Please note: this variant was assessed in the context of healthy population screening.

NM_000128.4(F11):c.923TTG[1] (p.Val309del)

Gene: F11 (coagulation factor XI; plus strand). Cytogenetic location: 4q35.2.
Variant type: Microsatellite.
Coding change: c.923TTG[1] on transcript NM_000128.4 (MANE Select); one copy of the 3-base unit TTG starting at c.923; the reference has two copies in a row; one copy, 3 bases deleted.
Protein change: p.Val309del; deletes valine 309.
Molecular consequence: inframe deletion.
Genome position (GRCh38, 1-based): chr4:186,280,283-186,280,285, TTG deleted; deleting any 3 consecutive bases within chr4:186,280,280-186,280,285 gives the same sequence; the position shown is the placement nearest the transcript's 3' end. VCF-style (leftmost placement, unchanged base first): chr4-186280279-ATTG-A. GRCh37 (hg19) VCF-style: chr4-187201433-ATTG-A.
Other names: c.875TTG[1], p.Val293del (NM_001440590.1, NM_001440596.1); c.923TTG[1], p.Val309del (NM_001440593.1); c.653TTG[1], p.Val219del (NM_001440605.1, NM_001440607.1); c.605TTG[1], p.Val203del (NM_001440606.1, NM_001440608.1); short protein forms V309del, V293del, V203del, V219del.
Identifiers: ClinVar variation 5003469 (VCV005003469.1).